The following is an entry in ClinVar:

ClinVar aggregate classification (germline): Uncertain significance (1 of 4 stars; one submission).

Conditions:
Intellectual disability, autosomal recessive 53 (NEDHSCA). Also called: GLYCOSYLPHOSPHATIDYLINOSITOL BIOSYNTHESIS DEFECT 13; Mental retardation, autosomal recessive 53; NEURODEVELOPMENTAL DISORDER WITH OR WITHOUT HYPOTONIA, SEIZURES, AND CEREBELLAR ATROPHY. Identifiers: Orphanet 488635, MedGen C4310794, MONDO:0014832, OMIM 616917.

Allele frequency attached by ClinVar (database versions not stated): gnomAD exomes below 0.00001; TOPMed below 0.00001.
gnomAD v4.1: 1 of 1,613,432 alleles (0.000062%); highest among the groups gnomAD compares: Admixed American, 0.0017%; no homozygotes.

Submission:

Labcorp Genetics (formerly Invitae), Labcorp
Classification: Uncertain significance for Intellectual disability, autosomal recessive 53. Last evaluated: 2022-05-05. Review status: criteria provided, single submitter. Criteria: Invitae Variant Classification Sherloc (09022015). Collection method: clinical testing. Allele origin: germline.
Comment: In summary, the available evidence is currently insufficient to determine the role of this variant in disease. Therefore, it has been classified as a Variant of Uncertain Significance. Algorithms developed to predict the effect of missense changes on protein structure and function are either unavailable or do not agree on the potential impact of this missense change (SIFT: "Deleterious"; PolyPhen-2: "Possibly Damaging"; Align-GVGD: "Class C0"). This variant has not been reported in the literature in individuals affected with PIGG-related conditions. This variant is not present in population databases (gnomAD no frequency). This sequence change replaces alanine, which is neutral and non-polar, with threonine, which is neutral and polar, at codon 154 of the PIGG protein (p.Ala154Thr).

NM_001127178.3(PIGG):c.460G>A (p.Ala154Thr)

Gene: PIGG (phosphatidylinositol glycan anchor biosynthesis class G (EMM blood group); plus strand). Cytogenetic location: 4p16.3.
Variant type: single nucleotide variant.
Coding change: c.460G>A on transcript NM_001127178.3 (MANE Select); coding-DNA position 460, G replaced by A.
Protein change: p.Ala154Thr; replaces alanine 154 with threonine.
Molecular consequence: missense variant. On other transcripts: 5 prime UTR variant (4), non-coding transcript variant (10), intron variant (1).
Genome position (GRCh38, 1-based): chr4:505,817, G>A. VCF-style: chr4-505817-G-A. GRCh37 (hg19) VCF-style: chr4-499606-G-A.
Other names: c.193G>A, p.Ala65Thr (NM_001289051.2, NM_001289053.2, NM_001289057.2 and 2 more transcripts); c.94G>A, p.Ala32Thr (NM_001289055.2); c.-428G>A (NM_001345988.2); c.460G>A, p.Ala154Thr (NM_001345989.2, NM_017733.5); c.-1166G>A (NM_001345990.2); c.-1028G>A (NM_001345991.2); c.-753G>A (NM_001345994.2); c.361-3012G>A (NM_001289052.2); short protein forms A154T, A32T, A65T.
Identifiers: ClinVar variation 1432820 (VCV001432820.8), dbSNP rs1719479054, ClinGen allele CA355895017.